The following is an entry in ClinVar:

NM_003924.4(PHOX2B):c.277A>G (p.Asn93Asp)

Gene: PHOX2B (paired like homeobox 2B; minus strand). Cytogenetic location: 4p13.
Variant type: single nucleotide variant.
Coding change: c.277A>G on transcript NM_003924.4 (MANE Select); coding-DNA position 277, A replaced by G.
Protein change: p.Asn93Asp; replaces asparagine 93 with aspartic acid.
Molecular consequence: missense variant.
Genome position (GRCh38, 1-based): chr4:41,747,501, T>C on the plus strand (A>G on the coding strand, the complement: PHOX2B is on the minus strand). VCF-style: chr4-41747501-T-C. GRCh37 (hg19) VCF-style: chr4-41749518-T-C.
Other names: short protein forms N93D.
Identifiers: ClinVar variation 4861812 (VCV004861812.1).

ClinVar aggregate classification (germline): Uncertain significance (1 of 4 stars; one submission).

Conditions:
Hereditary cancer-predisposing syndrome. Also called: Neoplastic Syndromes, Hereditary; Tumor predisposition; Hereditary Cancer Syndrome; Hereditary neoplastic syndrome. Identifiers: Orphanet 140162, MedGen C0027672, MeSH D009386, MONDO:0015356.

Submission:

Ambry Genetics
Classification: Uncertain significance for Hereditary cancer-predisposing syndrome. Last evaluated: 2026-04-26. Review status: criteria provided, single submitter. Criteria: Ambry Variant Classification Scheme 2023. Collection method: clinical testing. Allele origin: germline.
Comment: The p.N93D variant (also known as c.277A>G), located in coding exon 2 of the PHOX2B gene, results from an A to G substitution at nucleotide position 277. The asparagine at codon 93 is replaced by aspartic acid, an amino acid with highly similar properties. This amino acid position is conserved. In addition, this alteration is predicted to be tolerated by in silico analysis. Based on the available evidence, the clinical significance of this variant remains unclear.